The following is an entry in ClinVar:

ClinVar aggregate classification (germline): Pathogenic/Likely pathogenic. Review status: criteria provided, multiple submitters, no conflicts (2 of 4 stars). 8 submissions from 8 submitters: Pathogenic (6); Likely pathogenic (1). 1 of the submissions does not count toward it. Last evaluated 2025-07-01.

Conditions:
Cardiovascular phenotype. Identifiers: MedGen CN230736.
KCNQ1-related disorder. Also called: KCNQ1-related disorders; KCNQ1-related condition. Identifiers: MedGen CN239322.
Cardiac arrhythmia. Also called: Cardiac rhythm disease; Arrhythmia. Identifiers: MedGen C0003811, MONDO:0007263, HP:0011675.
Long QT syndrome (LQTS). Identifiers: MedGen C0023976, MeSH D008133, MONDO:0002442. Disease mechanism: loss of function. Inheritance: Various modes of inheritance.
Long QT syndrome 1 (LQT1). Identifiers: Orphanet 101016, Orphanet 768, MedGen C4551647, MONDO:0100316, OMIM 192500, MONDO:0008646.

gnomAD v4.1: 1 of 1,612,624 alleles (0.000062%); highest among the groups gnomAD compares: Non-Finnish European, 0.000085%; no homozygotes.

Submissions (8):

Labcorp Genetics (formerly Invitae), Labcorp
Classification: Pathogenic for Long QT syndrome. Last evaluated: 2025-07-01. Review status: criteria provided, single submitter. Criteria: Invitae Variant Classification Sherloc (09022015). Collection method: clinical testing. Allele origin: germline.
Comment: This sequence change creates a premature translational stop signal (p.Tyr171*) in the KCNQ1 gene. It is expected to result in an absent or disrupted protein product. Loss-of-function variants in KCNQ1 are known to be pathogenic (PMID: 9323054, 19862833). This variant is not present in population databases (gnomAD no frequency). This premature translational stop signal has been observed in individual(s) with Jervell and Lange-Nielsen syndrome and/or long QT syndrome (PMID: 11216980, 12051962, 14678125, 26187847). ClinVar contains an entry for this variant (Variation ID: 265209). For these reasons, this variant has been classified as Pathogenic.

Department of Human Genetics, Hannover Medical School
Classification: Pathogenic for Long QT syndrome 1. Last evaluated: 2025-03-21. Review status: criteria provided, single submitter. Criteria: ACMG Guidelines, 2015. Collection method: clinical testing. Allele origin: germline. Inheritance: Autosomal dominant inheritance. Affected: yes.
Comment: ACMG: PVS1, PM2_Supporting, PP4_Moderate

All of Us Research Program, National Institutes of Health
Classification: Pathogenic for Long QT syndrome. Last evaluated: 2024-01-08. Review status: criteria provided, single submitter. Criteria: ACMG Guidelines, 2015. Collection method: clinical testing. Allele origin: germline. Inheritance: Autosomal dominant inheritance. Observed: 3 variant alleles, 3 heterozygotes.
Comment: This variant changes 1 nucleotide in exon 3 of the KCNQ1 gene, creating a premature translation stop signal. This variant is expected to result in an absent or non-functional protein product. A functional study has shown that this variant results in undetectable expression of KCNQ1 in RNA and protein levels and no functional potassium current in transfected cells (PMID: 33504163). This variant has been reported in at least three unrelated individuals affected with long QT syndrome (PMID: 14678125, 32893267), in an individual affected with sudden cardiac arrest or death (PMID: 26187847), and in an asymptomatic individual (PMID: 33504163). A different nucleotide change (c.513C>G) leading to the same nonsense variant has been determined to be pathogenic (ClinVar variation ID 53056). This variant has not been identified in the general population by the Genome Aggregation Database (gnomAD). Loss of KCNQ1 function is a known mechanism of disease. Based on the available evidence, this variant is classified as Pathogenic.

This study involves interpretation of variants in research participants for the purpose of population health screening. Participant phenotype was not available at the time of variant classification. Additional details can be found in publication PMID: 35346344, PMCID: PMC8962531

Color Diagnostics, LLC DBA Color Health
Classification: Pathogenic for Cardiac arrhythmia. Last evaluated: 2023-06-21. Review status: criteria provided, single submitter. Criteria: ACMG Guidelines, 2015. Collection method: clinical testing. Allele origin: germline.
Comment: This variant changes 1 nucleotide in exon 3 of the KCNQ1 gene, creating a premature translation stop signal. This variant is expected to result in an absent or non-functional protein product. A functional study has shown that this variant results in undetectable expression of KCNQ1 in RNA and protein levels and no functional potassium current in transfected cells (PMID: 33504163). This variant has been reported in at least three unrelated individuals affected with long QT syndrome (PMID: 14678125, 32893267), in an individual affected with sudden cardiac arrest or death (PMID: 26187847), and in an asymptomatic individual (PMID: 33504163). A different nucleotide change (c.513C>G) leading to the same nonsense variant has been determined to be pathogenic (ClinVar variation ID 53056). This variant has not been identified in the general population by the Genome Aggregation Database (gnomAD). Loss of KCNQ1 function is a known mechanism of disease. Based on the available evidence, this variant is classified as Pathogenic.

MGZ Medical Genetics Center
Classification: Likely pathogenic for Long QT syndrome 1. Last evaluated: 2022-06-24. Review status: criteria provided, single submitter. Criteria: ACMG Guidelines, 2015. Collection method: clinical testing. Allele origin: germline. Affected: yes. Observed: 1 variant allele.
Comment: ACMG criteria applied: PVS1, PM2_SUP

Blueprint Genetics
Classification: Pathogenic for KCNQ1-related disorders. Last evaluated: 2022-06-16. Review status: criteria provided, single submitter. Criteria: ACMG Guidelines, 2015. Collection method: clinical testing. Allele origin: germline. Affected: yes. Observed: 1 variant allele.

Ambry Genetics
Classification: Pathogenic for Cardiovascular phenotype. Last evaluated: 2017-06-08. Review status: criteria provided, single submitter. Criteria: Ambry Variant Classification Scheme 2023. Collection method: clinical testing. Allele origin: germline.
Comment: The p.Y171* pathogenic mutation (also known as c.513C>A), located in coding exon 3 of the KCNQ1 gene, results from a C to A substitution at nucleotide position 513. This changes the amino acid from a tyrosine to a stop codon within coding exon 3. This alteration has been reported in a sudden cardiac arrest/death cohort (Li MH et al. Human Genomics, 2015 9:15). In addition to the clinical data presented in the literature, this alteration is expected to result in loss of function by premature protein truncation or nonsense-mediated mRNA decay. As such, this alteration is interpreted as a disease-causing mutation.

Division of Human Genetics, Children's Hospital of Philadelphia
Classification: Pathogenic for Long QT syndrome 1. Last evaluated: 2016-02-25. Review status: no assertion criteria provided. Collection method: research. Allele origin: maternal. Affected: yes. Study: CSER-PediSeq. Not counted in ClinVar's aggregate classification.

Literature cited by the submitters: PubMed 9323054 (cited by Labcorp Genetics (formerly Invitae), Labcorp); PubMed 19862833 (cited by Labcorp Genetics (formerly Invitae), Labcorp); PubMed 11216980 (cited by Labcorp Genetics (formerly Invitae), Labcorp and Division of Human Genetics, Children's Hospital of Philadelphia); PubMed 12051962 (cited by Labcorp Genetics (formerly Invitae), Labcorp and Division of Human Genetics, Children's Hospital of Philadelphia); PubMed 14678125 (cited by 4 submitters); PubMed 26187847 (cited by 3 submitters); PubMed 32893267 (cited by All of Us Research Program, National Institutes of Health and Color Diagnostics, LLC DBA Color Health); PubMed 33504163 (cited by All of Us Research Program, National Institutes of Health and Color Diagnostics, LLC DBA Color Health); PubMed 15840476 (cited by Division of Human Genetics, Children's Hospital of Philadelphia); PubMed 19716085 (cited by Division of Human Genetics, Children's Hospital of Philadelphia).

NM_000218.3(KCNQ1):c.513C>A (p.Tyr171Ter)

Gene: KCNQ1 (potassium voltage-gated channel subfamily Q member 1; plus strand). Cytogenetic location: 11p15.5.
Variant type: single nucleotide variant.
Coding change: c.513C>A on transcript NM_000218.3 (MANE Select); coding-DNA position 513, C replaced by A.
Protein change: p.Tyr171Ter; replaces tyrosine 171 with a stop codon.
Molecular consequence: nonsense.
Genome position (GRCh38, 1-based): chr11:2,570,663, C>A. VCF-style: chr11-2570663-C-A. GRCh37 (hg19) VCF-style: chr11-2591893-C-A.
Other names: c.513C>A, p.Tyr171Ter (NM_001406836.1); c.243C>A, p.Tyr81Ter (NM_001406837.1); c.132C>A, p.Tyr44Ter (NM_181798.2); short protein forms Y171*, Y44*, Y81*.
Identifiers: ClinVar variation 265209 (VCV000265209.23), dbSNP rs139042529, ClinGen allele CA10588516.
Genomic context (GRCh38, chr11:2,570,663, plus strand): 5'-TGAGCGTCCCACTCTGTCCCTGCAGGAGATCGTGCTGGTGGTGTTCTTCGGGACGGAGTA[C>A]GTGGTCCGCCTCTGGTCCGCCGGCTGCCGCAGCAAGTACGTGGGCCTCTGGGGGCGGCTG-3'